The following is an entry in ClinVar:

NM_006648.4(WNK2):c.2998G>A (p.Val1000Met)

Gene: WNK2 (WNK lysine deficient protein kinase 2; plus strand). Cytogenetic location: 9q22.31.
Variant type: single nucleotide variant.
Coding change: c.2998G>A on transcript NM_006648.4 (MANE Select); coding-DNA position 2998, G replaced by A.
Protein change: p.Val1000Met; replaces valine 1000 with methionine.
Molecular consequence: missense variant.
Genome position (GRCh38, 1-based): chr9:93,259,546, G>A. VCF-style: chr9-93259546-G-A. GRCh37 (hg19) VCF-style: chr9-96021828-G-A.
Other names: c.2998G>A, p.Val1000Met (NM_001282394.3); short protein forms V1000M.
Identifiers: ClinVar variation 3470093 (VCV003470093.1).

ClinVar aggregate classification (germline): Uncertain significance (1 of 4 stars; one submission).

gnomAD v4.1: 78 of 1,592,958 alleles (0.0049%); highest among the groups gnomAD compares: Admixed American, 0.0085%; no homozygotes.

Submission:

Ambry Genetics
Classification: Uncertain significance. Last evaluated: 2024-10-05. Review status: criteria provided, single submitter. Criteria: Ambry Variant Classification Scheme 2023. Collection method: clinical testing. Allele origin: germline.
Comment: The p.V1000M variant (also known as c.2998G>A), located in coding exon 11 of the WNK2 gene, results from a G to A substitution at nucleotide position 2998. The valine at codon 1000 is replaced by methionine, an amino acid with highly similar properties. This amino acid position is conserved. In addition, this alteration is predicted to be tolerated by in silico analysis. Based on the available evidence, the clinical significance of this variant remains unclear.